The following is an entry in ClinVar:

ClinVar aggregate classification (germline): Uncertain significance (1 of 4 stars; one submission).

gnomAD v4.1: 85 of 1,613,600 alleles (0.0053%); highest among the groups gnomAD compares: Non-Finnish European, 0.007%; no homozygotes.

Submission:

Athena Diagnostics
Classification: Uncertain significance. Last evaluated: 2024-09-10. Review status: criteria provided, single submitter. Criteria: Athena Diagnostics Criteria. Collection method: clinical testing. Allele origin: unknown.
Comment: Available data are insufficient to determine the clinical significance of the variant at this time. The frequency of this variant in the general population is uninformative in assessment of its pathogenicity. Polyphen and MutationTaster predict this amino acid change may be damaging to the protein.

NM_014363.6(SACS):c.8393C>G (p.Pro2798Arg)

Gene: SACS (sacsin molecular chaperone; minus strand). Cytogenetic location: 13q12.12.
Variant type: single nucleotide variant.
Coding change: c.8393C>G on transcript NM_014363.6 (MANE Select); coding-DNA position 8393, C replaced by G.
Protein change: p.Pro2798Arg; replaces proline 2798 with arginine.
Molecular consequence: missense variant.
Genome position (GRCh38, 1-based): chr13:23,335,483, G>C on the plus strand (C>G on the coding strand, the complement: SACS is on the minus strand). VCF-style: chr13-23335483-G-C. GRCh37 (hg19) VCF-style: chr13-23909622-G-C.
Other names: c.7952C>G, p.Pro2651Arg (NM_001278055.2); short protein forms P2798R, P2651R.
Identifiers: ClinVar variation 3571845 (VCV003571845.1).